The following is an entry in ClinVar:

ClinVar aggregate classification (germline): Benign/Likely benign. Review status: criteria provided, multiple submitters, no conflicts (2 of 4 stars). 5 submissions from 5 submitters: Benign (3); Likely benign (2). Last evaluated 2026-04-20.

Conditions:
Brittle cornea syndrome 2 (BCS2). Identifiers: Orphanet 90354, MedGen C3280011, MONDO:0013605, OMIM 614170.

Allele frequency attached by ClinVar (database versions not stated): gnomAD 0.00038; TOPMed 0.00057; 1000 Genomes Project 30x 0.00094; 1000 Genomes Project 0.00120.
gnomAD v4.1: 503 of 1,608,080 alleles (0.031%); highest among the groups gnomAD compares: East Asian, 0.87%; 6 homozygotes.

Submissions (5):

Women's Health and Genetics/Laboratory Corporation of America, LabCorp
Classification: Likely benign. Last evaluated: 2026-04-20. Review status: criteria provided, single submitter. Criteria: LabCorp Variant Classification Summary - May 2015. Collection method: clinical testing. Allele origin: germline.

Labcorp Genetics (formerly Invitae), Labcorp
Classification: Benign. Last evaluated: 2026-01-28. Review status: criteria provided, single submitter. Criteria: Invitae Variant Classification Sherloc (09022015). Collection method: clinical testing. Allele origin: germline.

Blueprint Genetics
Classification: Likely benign. Last evaluated: 2024-10-08. Review status: criteria provided, single submitter. Criteria: ACMG Guidelines, 2015. Collection method: clinical testing. Allele origin: germline.

Illumina Laboratory Services, Illumina
Classification: Benign for Brittle cornea syndrome 2. Last evaluated: 2018-01-13. Review status: criteria provided, single submitter. Criteria: ICSL Variant Classification Criteria 13 December 2019. Collection method: clinical testing. Allele origin: germline.
Comment: This variant was observed in the ICSL laboratory as part of a predisposition screen in an ostensibly healthy population. It had not been previously curated by ICSL or reported in the Human Gene Mutation Database (HGMD: prior to June 1st, 2018), and was therefore a candidate for classification through an automated scoring system. Utilizing variant allele frequency, disease prevalence and penetrance estimates, and inheritance mode, an automated score was calculated to assess if this variant is too frequent to cause the disease. Based on the score and internal cut-off values, a variant classified as benign is not then subjected to further curation. The score for this variant resulted in a classification of benign for this disease.

Breakthrough Genomics
Classification: Benign. Review status: criteria provided, single submitter. Criteria: ACMG Guidelines, 2015. Collection method: not provided. Allele origin: germline. Inheritance: Autosomal recessive inheritance. Affected: yes.

NM_018699.4(PRDM5):c.743+14G>A

Gene: PRDM5 (PR/SET domain 5; minus strand). Cytogenetic location: 4q27.
Variant type: single nucleotide variant.
Coding change: c.743+14G>A on transcript NM_018699.4 (MANE Select); 14 bases into the intron after coding-DNA position 743, G replaced by A.
Molecular consequence: intron variant.
Genome position (GRCh38, 1-based): chr4:120,816,818, C>T on the plus strand (G>A on the coding strand, the complement: PRDM5 is on the minus strand). VCF-style: chr4-120816818-C-T. GRCh37 (hg19) VCF-style: chr4-121737973-C-T.
Other names: c.651-244G>A (NM_001300824.2, NM_001379106.1, NM_001300823.2); c.743+14G>A (NM_001379104.1).
Identifiers: ClinVar variation 347443 (VCV000347443.15), dbSNP rs185567213, ClinGen allele CA3061308.